The following is an entry in ClinVar:

NM_003242.6(TGFBR2):c.735G>C (p.Glu245Asp)

Gene: TGFBR2 (transforming growth factor beta receptor 2; plus strand). Cytogenetic location: 3p24.1.
Variant type: single nucleotide variant.
Coding change: c.735G>C on transcript NM_003242.6 (MANE Select); coding-DNA position 735, G replaced by C.
Protein change: p.Glu245Asp; replaces glutamic acid 245 with aspartic acid.
Molecular consequence: missense variant.
Genome position (GRCh38, 1-based): chr3:30,671,918, G>C. VCF-style: chr3-30671918-G-C. GRCh37 (hg19) VCF-style: chr3-30713410-G-C.
Other names: c.810G>C, p.Glu270Asp (NM_001024847.3); c.918G>C, p.Glu306Asp (NM_001407126.1); c.843G>C, p.Glu281Asp (NM_001407127.1); c.762G>C, p.Glu254Asp (NM_001407128.1); c.738G>C, p.Glu246Asp (NM_001407129.1); c.735G>C, p.Glu245Asp (NM_001407130.1); c.630G>C, p.Glu210Asp (NM_001407132.1, NM_001407133.1, NM_001407134.1 and 2 more transcripts); c.450G>C, p.Glu150Asp (NM_001407137.1); and 1 more; short protein forms E125D, E210D, E246D, E254D, E306D, E150D, E281D, E245D.
Identifiers: ClinVar variation 2177693 (VCV002177693.4), dbSNP rs1699345935, ClinGen allele CA351807759.

ClinVar aggregate classification (germline): Uncertain significance. Review status: criteria provided, multiple submitters, no conflicts (2 of 4 stars). 3 submissions from 3 submitters: Uncertain significance (3). Last evaluated 2025-07-14.

Conditions:
Loeys-Dietz syndrome 2 (LDS2). Also called: Marfan Syndrome type 2; Marfan like connective tissue disorder; MFS 2; TGFBR2-Related Loeys-Dietz Syndrome; AORTIC ANEURYSM, FAMILIAL THORACIC 3; MARFAN SYNDROME, TYPE II. Identifiers: Orphanet 284973, Orphanet 558, MedGen C2674574, MONDO:0012427, OMIM 610168.
Familial thoracic aortic aneurysm and aortic dissection (TAAD). Also called: Thoracic aortic aneurysms and dissections. Identifiers: Orphanet 91387, MedGen C4707243, MONDO:0019625.

Allele frequency attached by ClinVar (database versions not stated): TOPMed below 0.00001.
gnomAD v4.1: 4 of 1,614,230 alleles (0.00025%); no homozygotes.

Submissions (3):

Labcorp Genetics (formerly Invitae), Labcorp
Classification: Uncertain significance for Familial thoracic aortic aneurysm and aortic dissection. Last evaluated: 2025-07-14. Review status: criteria provided, single submitter. Criteria: Invitae Variant Classification Sherloc (09022015). Collection method: clinical testing. Allele origin: germline.
Comment: This sequence change replaces glutamic acid, which is acidic and polar, with aspartic acid, which is acidic and polar, at codon 245 of the TGFBR2 protein (p.Glu245Asp). This variant is not present in population databases (gnomAD no frequency). This variant has not been reported in the literature in individuals affected with TGFBR2-related conditions. ClinVar contains an entry for this variant (Variation ID: 2177693). Invitae Evidence Modeling of protein sequence and biophysical properties (such as structural, functional, and spatial information, amino acid conservation, physicochemical variation, residue mobility, and thermodynamic stability) indicates that this missense variant is not expected to disrupt TGFBR2 protein function with a negative predictive value of 95%. In summary, the available evidence is currently insufficient to determine the role of this variant in disease. Therefore, it has been classified as a Variant of Uncertain Significance.

All of Us Research Program, National Institutes of Health
Classification: Uncertain significance for Loeys-Dietz syndrome 2. Last evaluated: 2023-10-30. Review status: criteria provided, single submitter. Criteria: ACMG Guidelines, 2015. Collection method: clinical testing. Allele origin: germline. Inheritance: Autosomal dominant inheritance. Observed: 2 variant alleles, 2 heterozygotes.
Comment: This study involves interpretation of variants in research participants for the purpose of population health screening. Participant phenotype was not available at the time of variant classification. Additional details can be found in publication PMID: 35346344, PMCID: PMC8962531

Blueprint Genetics
Classification: Uncertain significance. Last evaluated: 2019-06-07. Review status: criteria provided, single submitter. Criteria: ACMG Guidelines, 2015. Collection method: clinical testing. Allele origin: germline.